The following is an entry in ClinVar:

ClinVar aggregate classification (germline): Uncertain significance. Review status: criteria provided, multiple submitters, no conflicts (2 of 4 stars). 2 submissions from 2 submitters: Uncertain significance (2). Last evaluated 2025-08-28.

Conditions:
Cerebral cavernous malformation 2. Also called: Familial Cerebral Cavernous Malformation 2. Identifiers: Orphanet 221061, MedGen C1864041, MONDO:0011304, OMIM 603284.

Allele frequency attached by ClinVar (database versions not stated): TOPMed 0.00003; gnomAD 0.00004; ExAC 0.00006; ESP Exome Variant Server 0.00015.
gnomAD v4.1: 67 of 1,613,848 alleles (0.0042%); highest among the groups gnomAD compares: Non-Finnish European, 0.005%; no homozygotes.

Submissions (2):

Clinical Genomics Laboratory, Washington University in St. Louis
Classification: Uncertain significance for Cerebral cavernous malformation 2. Last evaluated: 2025-08-28. Review status: criteria provided, single submitter. Criteria: ACMG Guidelines, 2015. Collection method: clinical testing. Allele origin: germline.
Comment: A CCM2 c.436C>T (p.Arg146Trp) variant was identified at a near heterozygous allelic fraction of 45.8%, a frequency which may be consistent with it being of germline origin. This variant, to our knowledge, has not been reported in the medical literature. This variant is observed in 67/1,613,848 alleles in the general population (gnomAD v4.1.0). This variant has been reported in the ClinVar database as a germline variant of uncertain significance by one submitter (ClinVar Variation ID: 2037187). Computational predictors suggest that the variant does not impact on CCM2 function. Due to limited information, and based on ACMG/AMP guidelines for variant interpretation (Richards S et al., PMID: 25741868), the clinical significance of this variant is uncertain at this time.

Labcorp Genetics (formerly Invitae), Labcorp
Classification: Uncertain significance for Cerebral cavernous malformation 2. Last evaluated: 2023-07-10. Review status: criteria provided, single submitter. Criteria: Invitae Variant Classification Sherloc (09022015). Collection method: clinical testing. Allele origin: germline.
Comment: This variant is present in population databases (rs372613654, gnomAD 0.01%). In summary, the available evidence is currently insufficient to determine the role of this variant in disease. Therefore, it has been classified as a Variant of Uncertain Significance. Advanced modeling of protein sequence and biophysical properties (such as structural, functional, and spatial information, amino acid conservation, physicochemical variation, residue mobility, and thermodynamic stability) performed at Invitae indicates that this missense variant is not expected to disrupt CCM2 protein function. ClinVar contains an entry for this variant (Variation ID: 2037187). This variant has not been reported in the literature in individuals affected with CCM2-related conditions. This sequence change replaces arginine, which is basic and polar, with tryptophan, which is neutral and slightly polar, at codon 146 of the CCM2 protein (p.Arg146Trp).

NM_031443.4(CCM2):c.436C>T (p.Arg146Trp)

Gene: CCM2 (CCM2 scaffold protein; plus strand). Cytogenetic location: 7p13.
Variant type: single nucleotide variant.
Coding change: c.436C>T on transcript NM_031443.4 (MANE Select); coding-DNA position 436, C replaced by T.
Protein change: p.Arg146Trp; replaces arginine 146 with tryptophan.
Molecular consequence: missense variant. On other transcripts: non-coding transcript variant (1).
Genome position (GRCh38, 1-based): chr7:45,064,610, C>T. VCF-style: chr7-45064610-C-T. GRCh37 (hg19) VCF-style: chr7-45104209-C-T.
Other names: c.499C>T, p.Arg167Trp (NM_001029835.2); c.262C>T, p.Arg88Trp (NM_001167934.2, NM_001363459.2); c.436C>T, p.Arg146Trp (NM_001167935.2, NM_001363458.2); short protein forms R167W, R88W, R146W.
Identifiers: ClinVar variation 2037187 (VCV002037187.5), dbSNP rs372613654, ClinGen allele CA4246979.